The following is an entry in ClinVar:

NM_020366.4(RPGRIP1):c.1562del (p.Lys521fs)

Gene: RPGRIP1 (RPGR interacting protein 1; plus strand). Cytogenetic location: 14q11.2.
Variant type: Deletion.
Coding change: c.1562del on transcript NM_020366.4 (MANE Select); coding-DNA position 1562, one base deleted (A; older notation c.1562delA).
Protein change: p.Lys521fs; shifts the reading frame from lysine 521.
Molecular consequence: frameshift variant. On other transcripts: 5 prime UTR variant (1).
Genome position (GRCh38, 1-based): chr14:21,321,353, A deleted; the last of 4 consecutive A bases (chr14:21,321,350-21,321,353); deleting any one gives the same sequence. VCF-style (leftmost placement, unchanged base first): chr14-21321349-GA-G. GRCh37 (hg19) VCF-style: chr14-21789508-GA-G.
Other names: c.488del, p.Lys163fs (NM_001377523.1, NM_001377948.1, NM_001377949.1 and 1 more transcripts); c.-11del (NM_001377951.1); short protein forms K163fs, K521fs.
Identifiers: ClinVar variation 4787306 (VCV004787306.1).

ClinVar aggregate classification (germline): Pathogenic (1 of 4 stars; one submission).

Conditions:
Cone-rod dystrophy 13 (CORD13). Identifiers: Orphanet 1872, MedGen C2750720, MONDO:0011987, OMIM 608194.
Leber congenital amaurosis 6 (LCA6). Identifiers: Orphanet 65, MedGen C1854260, MONDO:0013446, OMIM 613826.

Submission:

Labcorp Genetics (formerly Invitae), Labcorp
Classification: Pathogenic for Leber congenital amaurosis 6; Cone-rod dystrophy 13. Last evaluated: 2026-01-19. Review status: criteria provided, single submitter. Criteria: Invitae Variant Classification Sherloc (09022015). Collection method: clinical testing. Allele origin: germline.
Comment: This sequence change creates a premature translational stop signal (p.Lys521Argfs*23) in the RPGRIP1 gene. It is expected to result in an absent or disrupted protein product. Loss-of-function variants in RPGRIP1 are known to be pathogenic (PMID: 11528500, 23105016). This variant is not present in population databases (gnomAD no frequency). This variant has not been reported in the literature in individuals affected with RPGRIP1-related conditions. Algorithms developed to predict the effect of sequence changes on RNA splicing suggest that this variant may disrupt the consensus splice site. For these reasons, this variant has been classified as Pathogenic.

Literature cited by the submitters: PubMed 11528500; PubMed 23105016.